The following is an entry in ClinVar:

ClinVar aggregate classification (germline): Uncertain significance. Review status: criteria provided, multiple submitters, no conflicts (2 of 4 stars). 2 submissions from 2 submitters: Uncertain significance (2). Last evaluated 2025-06-24.

Conditions:
Combined osteogenesis imperfecta and Ehlers-Danlos syndrome 2. Also called: OIEDS SYNDROME 2. Identifiers: MedGen C5436847, MONDO:0030855, OMIM 619120.
Osteogenesis imperfecta type I (OI1). Also called: Lobstein disease; OI, TYPE I; OSTEOGENESIS IMPERFECTA TARDA; OSTEOGENESIS IMPERFECTA WITH BLUE SCLERAE; Osteogenesis imperfecta type 1; Lobstein's Disease. Identifiers: Orphanet 216796, Orphanet 666, MedGen C0023931, MONDO:0008146, OMIM 166200. Disease mechanism: loss of function.
Ehlers-Danlos syndrome, classic type, 1 (EDSCL1). Also called: EDS I; EHLERS-DANLOS SYNDROME, GRAVIS TYPE; EHLERS-DANLOS SYNDROME, SEVERE CLASSIC TYPE; Ehlers-Danlos syndrome, type 1; Ehlers-Danlos Syndrome, Classic Type, COL5A1-Related. Identifiers: MedGen C0268335, MONDO:0019567, OMIM 130000.

Allele frequency attached by ClinVar (database versions not stated): ExAC 0.00001; ESP Exome Variant Server 0.00008.

Submissions (2):

3billion
Classification: Uncertain significance for Combined osteogenesis imperfecta and Ehlers-Danlos syndrome 2. Last evaluated: 2025-06-24. Review status: criteria provided, single submitter. Criteria: ACMG Guidelines, 2015. Collection method: clinical testing. Allele origin: germline. Affected: yes.
Comment: The variant is not observed in the gnomAD v4.1.0 dataset. Predicted Consequence/Location: Missense variant. Missense changes are a common disease-causing mechanism. In silico tools predict the variant to alter splicing and produce an abnormal transcript [SpliceAI: 0.60 (>=0.2, moderate evidence for spliceogenicity)]. The variant has been reported as of uncertain significance (ClinVar ID: VCV002938181; 3billion dataset). Therefore, this variant is classified as VUS according to the recommendation of ACMG/AMP guideline.

Labcorp Genetics (formerly Invitae), Labcorp
Classification: Uncertain significance for Osteogenesis imperfecta type I; Ehlers-Danlos syndrome, classic type, 1. Last evaluated: 2023-01-12. Review status: criteria provided, single submitter. Criteria: Invitae Variant Classification Sherloc (09022015). Collection method: clinical testing. Allele origin: germline.
Comment: In summary, the available evidence is currently insufficient to determine the role of this variant in disease. Therefore, it has been classified as a Variant of Uncertain Significance. Algorithms developed to predict the effect of sequence changes on RNA splicing suggest that this variant may create or strengthen a splice site. Advanced modeling of protein sequence and biophysical properties (such as structural, functional, and spatial information, amino acid conservation, physicochemical variation, residue mobility, and thermodynamic stability) performed at Invitae indicates that this missense variant is not expected to disrupt COL1A2 protein function. This variant has not been reported in the literature in individuals affected with COL1A2-related conditions. This variant is present in population databases (rs141530844, gnomAD 0.007%). This sequence change replaces aspartic acid, which is acidic and polar, with asparagine, which is neutral and polar, at codon 692 of the COL1A2 protein (p.Asp692Asn).

NM_000089.4(COL1A2):c.2074G>A (p.Asp692Asn)

Gene: COL1A2 (collagen type I alpha 2 chain; plus strand). Cytogenetic location: 7q21.3.
Variant type: single nucleotide variant.
Coding change: c.2074G>A on transcript NM_000089.4 (MANE Select); coding-DNA position 2074, G replaced by A.
Protein change: p.Asp692Asn; replaces aspartic acid 692 with asparagine.
Molecular consequence: missense variant.
Genome position (GRCh38, 1-based): chr7:94,419,546, G>A. VCF-style: chr7-94419546-G-A. GRCh37 (hg19) VCF-style: chr7-94048858-G-A.
Other names: short protein forms D692N.
Identifiers: ClinVar variation 2938181 (VCV002938181.4), dbSNP rs141530844, ClinGen allele CA4347289.
Genomic context (GRCh38, chr7:94,419,546, plus strand): 5'-TTTTGGTACTAGGGTGCTCCTGGTGCTGTAGGTGCCCCTGGTCCTGCTGGAGCCACAGGT[G>A]ACCGGGTAAGCATGCATTTTCACTAAGCCAACAGCAATATCTAAAATTTCCCGCCTTCCC-3'
Protein context (NP_000080.2, residues 682-702): GAPGPAGATG[Asp692Asn]RGEAGAAGPA